The following is an entry in ClinVar:

NM_013336.4(SEC61A1):c.254T>A (p.Val85Asp)

Gene: SEC61A1 (SEC61 translocon subunit alpha 1; plus strand). Cytogenetic location: 3q21.3.
Variant type: single nucleotide variant.
Coding change: c.254T>A on transcript NM_013336.4 (MANE Select); coding-DNA position 254, T replaced by A.
Protein change: p.Val85Asp; replaces valine 85 with aspartic acid.
Molecular consequence: missense variant.
Genome position (GRCh38, 1-based): chr3:128,056,742, T>A. VCF-style: chr3-128056742-T-A. GRCh37 (hg19) VCF-style: chr3-127775585-T-A.
Other names: NM_013336.3:c.254T>A(p.Val85Asp); c.272T>A, p.Val91Asp (NM_001400328.1); c.95T>A, p.Val32Asp (NM_001400329.1); short protein forms V85D, V32D, V91D.
Identifiers: ClinVar variation 549498 (VCV000549498.2), dbSNP rs1553721236, ClinGen allele CA354391400.

ClinVar aggregate classification (germline): Likely pathogenic. Review status: criteria provided, single submitter (1 of 4 stars). 2 submissions from 2 submitters: Likely pathogenic (1). 1 of the submissions does not count toward it. Last evaluated 2018-04-16.

Conditions:
Immunodeficiency, common variable, 15 (CVID15). Identifiers: Orphanet 697417, MedGen C5882741, MONDO:0958013, OMIM 620670.
Decreased circulating immunoglobulin concentration. Also called: Decreased circulating antibody concentration; Decreased antibody level in blood. Identifiers: MedGen C4048270, HP:0004313.

Submissions (2):

SIB Swiss Institute of Bioinformatics
Classification: Likely pathogenic for Decreased circulating immunoglobulin concentration. Last evaluated: 2018-04-16. Review status: criteria provided, single submitter. Criteria: ACMG Guidelines, 2015. Collection method: curation. Allele origin: germline.
Comment: This variant is interpreted as a Likely Pathogenic, for Hypogammaglobulinemia, Autosomal Dominant inheritance. The following ACMG Tag(s) were applied: PM2 => Absent from controls (or at extremely low frequency if recessive) in Exome Sequencing Project, 1000 Genomes Project, or Exome Aggregation Consortium. PP3 => Multiple lines of computational evidence support a deleterious effect on the gene or gene product. PP1-Moderate => PP1 upgraded in strength to Moderate (PMID:28782633). PS3-Moderate => PS3 downgraded in strength to Moderate (PMID:28782633).

OMIM
Classification: Pathogenic for IMMUNODEFICIENCY, COMMON VARIABLE, 15. Last evaluated: 2024-01-12. Review status: no assertion criteria provided. Collection method: literature only. Allele origin: germline. Not counted in ClinVar's aggregate classification.

Literature cited by the submitters: PubMed 28782633 (cited by SIB Swiss Institute of Bioinformatics and OMIM).